The following is an entry in ClinVar:

NM_001854.4(COL11A1):c.5080G>A (p.Val1694Met)

Genes: COL11A1 (collagen type XI alpha 1 chain; minus strand), LOC126805814 (P300/CBP strongly-dependent group 1 enhancer GRCh37_chr1:103344928-103346127; plus strand). Cytogenetic location: 1p21.1.
Variant type: single nucleotide variant.
Coding change: c.5080G>A on transcript NM_001854.4 (MANE Select); coding-DNA position 5080, G replaced by A.
Protein change: p.Val1694Met; replaces valine 1694 with methionine.
Molecular consequence: missense variant. On other transcripts: non-coding transcript variant (1).
Genome position (GRCh38, 1-based): chr1:102,879,877, C>T on the plus strand (G>A on the coding strand, the complement: COL11A1 is on the minus strand). VCF-style: chr1-102879877-C-T. GRCh37 (hg19) VCF-style: chr1-103345433-C-T.
Other names: c.4732G>A, p.Val1578Met (NM_001168249.1, NM_080630.4); c.4963G>A, p.Val1655Met (NM_001190709.2); c.5116G>A, p.Val1706Met (NM_080629.3); short protein forms V1694M, V1578M, V1655M, V1706M.
Identifiers: ClinVar variation 2090402 (VCV002090402.4), dbSNP rs1279366824, ClinGen allele CA341211151.

ClinVar aggregate classification (germline): Uncertain significance (1 of 4 stars; one submission).

Allele frequency attached by ClinVar (database versions not stated): gnomAD exomes below 0.00001; gnomAD 0.00001.
gnomAD v4.1: 3 of 1,613,528 alleles (0.00019%); highest among the groups gnomAD compares: Admixed American, 0.0017%; no homozygotes.

Submission:

Labcorp Genetics (formerly Invitae), Labcorp
Classification: Uncertain significance. Last evaluated: 2025-05-05. Review status: criteria provided, single submitter. Criteria: Invitae Variant Classification Sherloc (09022015). Collection method: clinical testing. Allele origin: germline.
Comment: This sequence change replaces valine, which is neutral and non-polar, with methionine, which is neutral and non-polar, at codon 1694 of the COL11A1 protein (p.Val1694Met). This variant is present in population databases (no rsID available, gnomAD 0.0009%). This variant has not been reported in the literature in individuals affected with COL11A1-related conditions. ClinVar contains an entry for this variant (Variation ID: 2090402). Invitae Evidence Modeling of protein sequence and biophysical properties (such as structural, functional, and spatial information, amino acid conservation, physicochemical variation, residue mobility, and thermodynamic stability) indicates that this missense variant is expected to disrupt COL11A1 protein function with a positive predictive value of 80%. In summary, the available evidence is currently insufficient to determine the role of this variant in disease. Therefore, it has been classified as a Variant of Uncertain Significance.